The following is an entry in ClinVar:

NM_001029896.2(WDR45):c.2dup (p.Met1fs)

Genes: WDR45 (WD repeat domain 45; minus strand), LOC126863256 (BRD4-independent group 4 enhancer GRCh37_chrX:48934848-48936047; plus strand). Cytogenetic location: Xp11.23.
Variant type: Duplication.
Coding change: c.2dup on transcript NM_001029896.2 (MANE Select); coding-DNA position 2, one base duplicated (T; older notation c.2dupT).
Protein change: p.Met1fs; shifts the reading frame from methionine 1.
Molecular consequence: frameshift variant, initiator codon variant.
Genome position (GRCh38, 1-based): chrX:49,078,094, A duplicated on the plus strand (T on the coding strand, the reverse complement: WDR45 is on the minus strand). VCF-style (leftmost placement, unchanged base first): chrX-49078093-C-CA. GRCh37 (hg19) VCF-style: chrX-48935752-C-CA.
Other names: c.2dup, p.Met1fs (NM_007075.4); short protein forms M1fs.
Identifiers: ClinVar variation 4711962 (VCV004711962.1).
Genomic context (GRCh38, chrX:49,078,093, plus strand): 5'-TCTCTCACTTTGGTCTTGGTTGAAACGCAGGCTGGTCACTCCTCGAAGTGGCTGTTGAGT[C>CA]ATGGTGCAGGATTGTTCCTCTGCATACAAATGGGATAAAGATGAGAAGAGTCCTGGAATC-3'

ClinVar aggregate classification (germline): Pathogenic (1 of 4 stars; one submission).

Conditions:
Neurodegeneration with brain iron accumulation 5 (NBIA5). Also called: STATIC ENCEPHALOPATHY OF CHILDHOOD WITH NEURODEGENERATION IN ADULTHOOD; Beta-propeller protein-associated neurodegeneration. Identifiers: Orphanet 329284, MedGen C3550973, MONDO:0010476, OMIM 300894.

Submission:

Labcorp Genetics (formerly Invitae), Labcorp
Classification: Pathogenic for Neurodegeneration with brain iron accumulation 5. Last evaluated: 2025-01-28. Review status: criteria provided, single submitter. Criteria: Invitae Variant Classification Sherloc (09022015). Collection method: clinical testing. Allele origin: germline.
Comment: This sequence change affects the initiator methionine of the WDR45 mRNA. The next in-frame methionine is located at codon 25. This variant is not present in population databases (gnomAD no frequency). Disruption of the initiator codon has been observed in individual(s) with clinical features of WDR45-related conditions (PMID: 23687123, 25533962, 32387008). In at least one individual the variant was observed to be de novo. For these reasons, this variant has been classified as Pathogenic.

Literature cited by the submitters: PubMed 23687123; PubMed 25533962; PubMed 32387008.